The following is an entry in ClinVar:

ClinVar aggregate classification (germline): Likely benign. Review status: criteria provided, multiple submitters, no conflicts (2 of 4 stars). 3 submissions from 3 submitters: Likely benign (3). Last evaluated 2025-05-25.

Conditions:
RYR1-related disorder. Also called: RYR1-related disorders; RYR1-related condition. Identifiers: MedGen CN239331.
Malignant hyperthermia, susceptibility to, 1 (MHS1). Also called: Anesthesia related hyperthermia; Malignant hyperpyrexia; Fulminating hyperpyrexia; Pharmacogenic myopathy; RYR1-Related Malignant Hyperthermia Susceptibility; Malignant hyperthermia suceptibility 1. Identifiers: Orphanet 423, MedGen C2930980, MONDO:0007783, OMIM 145600.

Allele frequency attached by ClinVar (database versions not stated): gnomAD exomes below 0.00001 and 0.00002.
gnomAD v4.1: 30 of 1,607,138 alleles (0.0019%); highest among the groups gnomAD compares: Non-Finnish European, 0.0023%; no homozygotes.

Submissions (3):

Labcorp Genetics (formerly Invitae), Labcorp
Classification: Likely benign for RYR1-related disorder. Last evaluated: 2025-05-25. Review status: criteria provided, single submitter. Criteria: Invitae Variant Classification Sherloc (09022015). Collection method: clinical testing. Allele origin: germline.

All of Us Research Program, National Institutes of Health
Classification: Likely benign for Malignant hyperthermia, susceptibility to, 1. Last evaluated: 2023-09-17. Review status: criteria provided, single submitter. Criteria: ACMG Guidelines, 2015. Collection method: clinical testing. Allele origin: germline. Inheritance: Autosomal dominant inheritance. Observed: 1 variant allele, 1 heterozygote.
Comment: This study involves interpretation of variants in research participants for the purpose of population health screening. Participant phenotype was not available at the time of variant classification. Additional details can be found in publication PMID: 35346344, PMCID: PMC8962531

Color Diagnostics, LLC DBA Color Health
Classification: Likely benign for Malignant hyperthermia, susceptibility to, 1. Last evaluated: 2022-12-12. Review status: criteria provided, single submitter. Criteria: ACMG Guidelines, 2015. Collection method: clinical testing. Allele origin: germline.

NM_000540.3(RYR1):c.801-6C>T

Gene: RYR1 (ryanodine receptor 1; plus strand). Cytogenetic location: 19q13.2.
Variant type: single nucleotide variant.
Coding change: c.801-6C>T on transcript NM_000540.3 (MANE Select); 6 bases into the intron before coding-DNA position 801, C replaced by T.
Molecular consequence: intron variant.
Genome position (GRCh38, 1-based): chr19:38,448,349, C>T. VCF-style: chr19-38448349-C-T. GRCh37 (hg19) VCF-style: chr19-38938989-C-T.
Other names: c.801-6C>T (NM_001042723.2).
Identifiers: ClinVar variation 1093478 (VCV001093478.10), dbSNP rs1252654593, ClinGen allele CA507241945.